The following is an entry in ClinVar:

NM_003673.3(TCAP):c.-178G>T

Gene: TCAP (titin-cap; plus strand). Cytogenetic location: 17q12.
Variant type: single nucleotide variant.
Coding change: c.-178G>T on transcript NM_003673.3; 178 bases upstream of the start codon, G replaced by T.
Genome position (GRCh38, 1-based): chr17:39,665,182, G>T. VCF-style: chr17-39665182-G-T. GRCh37 (hg19) VCF-style: chr17-37821435-G-T.
Identifiers: ClinVar variation 672043 (VCV000672043.4), dbSNP rs931992, ClinGen allele CA14420887.

ClinVar aggregate classification (germline): Benign. Review status: criteria provided, multiple submitters, no conflicts (2 of 4 stars). 2 submissions from 2 submitters: Benign (2). Last evaluated 2018-06-14.

Allele frequency attached by ClinVar (database versions not stated): 1000 Genomes Project 30x 0.46034; 1000 Genomes Project 0.46685; TOPMed 0.49589; gnomAD 0.51536; gnomAD exomes 0.64406.

Submissions (2):

GeneDx
Classification: Benign. Last evaluated: 2018-06-14. Review status: criteria provided, single submitter. Criteria: GeneDx Variant Classification (06012015). Collection method: clinical testing. Allele origin: germline. Affected: yes.
Comment: This variant is considered likely benign or benign based on one or more of the following criteria: it is a conservative change, it occurs at a poorly conserved position in the protein, it is predicted to be benign by multiple in silico algorithms, and/or has population frequency not consistent with disease.

Breakthrough Genomics
Classification: Benign. Review status: criteria provided, single submitter. Criteria: ACMG Guidelines, 2015. Collection method: not provided. Allele origin: germline. Inheritance: Autosomal recessive inheritance. Affected: yes.